The following is an entry in ClinVar:

NM_001374828.1(ARID1B):c.1240G>C (p.Ala414Pro)

Gene: ARID1B (AT-rich interaction domain 1B; plus strand). Cytogenetic location: 6q25.3.
Variant type: single nucleotide variant.
Coding change: c.1240G>C on transcript NM_001374828.1 (MANE Select); coding-DNA position 1240, G replaced by C.
Protein change: p.Ala414Pro; replaces alanine 414 with proline.
Molecular consequence: missense variant.
Genome position (GRCh38, 1-based): chr6:156,778,920, G>C. VCF-style: chr6-156778920-G-C. GRCh37 (hg19) VCF-style: chr6-157100054-G-C.
Other names: c.991G>C (NM_020732.3); c.1240G>C, p.Ala414Pro (NM_001371656.1, NM_001374820.1, NM_017519.3); short protein forms A414P.
Identifiers: ClinVar variation 3314360 (VCV003314360.2).

ClinVar aggregate classification (germline): Uncertain significance. Review status: criteria provided, multiple submitters, no conflicts (2 of 4 stars). 2 submissions from 2 submitters: Uncertain significance (2). Last evaluated 2025-11-02.

Conditions:
Inborn genetic diseases. Identifiers: MedGen C0950123, MeSH D030342.

gnomAD v4.1: 2 of 1,318,174 alleles (0.00015%); highest among the groups gnomAD compares: Admixed American, 0.0041%; no homozygotes.

Submissions (2):

Labcorp Genetics (formerly Invitae), Labcorp
Classification: Uncertain significance. Last evaluated: 2025-11-02. Review status: criteria provided, single submitter. Criteria: Invitae Variant Classification Sherloc (09022015). Collection method: clinical testing. Allele origin: germline.
Comment: This sequence change replaces alanine, which is neutral and non-polar, with proline, which is neutral and non-polar, at codon 331 of the ARID1B protein (p.Ala331Pro). The frequency data for this variant in the population databases is considered unreliable, as metrics indicate insufficient coverage at this position in the gnomAD database. This variant has not been reported in the literature in individuals affected with ARID1B-related conditions. ClinVar contains an entry for this variant (Variation ID: 3314360). Invitae Evidence Modeling of protein sequence and biophysical properties (such as structural, functional, and spatial information, amino acid conservation, physicochemical variation, residue mobility, and thermodynamic stability) indicates that this missense variant is not expected to disrupt ARID1B protein function with a negative predictive value of 95%. In summary, the available evidence is currently insufficient to determine the role of this variant in disease. Therefore, it has been classified as a Variant of Uncertain Significance.

Ambry Genetics
Classification: Uncertain significance for Inborn genetic diseases. Last evaluated: 2024-06-11. Review status: criteria provided, single submitter. Criteria: Ambry Variant Classification Scheme 2023. Collection method: clinical testing. Allele origin: germline.